The following is an entry in ClinVar:

ClinVar aggregate classification (germline): Pathogenic (1 of 4 stars; one submission).

Conditions:
Congenital stationary night blindness 1A (CSNB1A). Also called: NIGHT BLINDNESS, CONGENITAL STATIONARY, WITH MYOPIA; Night blindness, congenital stationary (complete), 1A, X-linked; NYX-Related X-Linked Congenital Stationary Night Blindness; CSNB, COMPLETE, X-LINKED; HEMERALOPIA-MYOPIA; MYOPIA-NIGHT BLINDNESS. Identifiers: Orphanet 215, MedGen C3495587, MONDO:0010690, OMIM 310500.

Submission:

Institute of Human Genetics, University of Leipzig Medical Center
Classification: Pathogenic for Congenital stationary night blindness 1A. Last evaluated: 2025-12-03. Review status: criteria provided, single submitter. Criteria: ACMG Guidelines, 2015. Collection method: clinical testing. Allele origin: maternal. Inheritance: X-linked recessive inheritance. Affected: yes.
Comment: Criteria applied: PM2,PVS1

NM_001378477.3(NYX):c.1108dup (p.Gln370fs)

Gene: NYX (nyctalopin; plus strand). Cytogenetic location: Xp11.4.
Variant type: Duplication.
Coding change: c.1108dup on transcript NM_001378477.3 (MANE Select); coding-DNA position 1108, one base duplicated (C; older notation c.1108dupC).
Protein change: p.Gln370fs; shifts the reading frame from glutamine 370.
Molecular consequence: frameshift variant.
Genome position (GRCh38, 1-based): chrX:41,474,576, C duplicated; the last of 2 consecutive C bases (chrX:41,474,575-41,474,576); duplicating either gives the same sequence. VCF-style (leftmost placement, unchanged base first): chrX-41474574-G-GC. GRCh37 (hg19) VCF-style: chrX-41333827-G-GC.
Other names: c.1108dup, p.Gln370fs (NM_022567.3); short protein forms Q370fs.
Identifiers: ClinVar variation 4683112 (VCV004683112.1).
Genomic context (GRCh38, chrX:41,474,574, plus strand): 5'-CCGGACGTGTCACCGACGTGCCGTGCGCCTCCCCGGGCTCCGTGGCCGGCCTGGACCTCA[G>GC]CCAGGTGACCTTCGGGCGCTCCTCCGATGGCCTCTGTGTGGACCCCGAGGAGCTGAACCT-3'